The following is an entry in ClinVar:

NM_004738.5(VAPB):c.*937G>C

Gene: VAPB (VAMP associated protein B and C; plus strand). Cytogenetic location: 20q13.32.
Variant type: single nucleotide variant.
Coding change: c.*937G>C on transcript NM_004738.5 (MANE Select); 937 bases downstream of the stop codon, G replaced by C.
Molecular consequence: 3 prime UTR variant. On other transcripts: non-coding transcript variant (1).
Genome position (GRCh38, 1-based): chr20:58,445,172, G>C. VCF-style: chr20-58445172-G-C. GRCh37 (hg19) VCF-style: chr20-57020228-G-C.
Other names: c.*1007G>C (NM_001195677.2).
Identifiers: ClinVar variation 338943 (VCV000338943.7), dbSNP rs1059794, ClinGen allele CA9924418.
Genomic context (GRCh38, chr20:58,445,172, plus strand): 5'-GCTGGAGAAGAGCTGCCAGGAAGTGTTTTTTCTGGGTCAGTAAATAACAACTGTCATAGG[G>C]AGGGAAATTCTCAGTAGTGACAGTCAACTCTAGGTTACCTTTTTTAATGAAGAGTAGTCA-3'

ClinVar aggregate classification (germline): Benign. Review status: criteria provided, multiple submitters, no conflicts (2 of 4 stars). 3 submissions from 2 submitters: Benign (3). Last evaluated 2018-01-13.

Conditions:
Adult-onset proximal spinal muscular atrophy, autosomal dominant. Also called: FINKEL LATE-ADULT TYPE SMA; Spinal muscular atrophy, late-onset, finkel type. Identifiers: Orphanet 209335, MedGen C1854058, MONDO:0008453, OMIM 182980.
Amyotrophic lateral sclerosis type 8 (ALS8). Identifiers: Orphanet 803, MedGen C1837728, MONDO:0012077, OMIM 608627.

Allele frequency attached by ClinVar (database versions not stated): 1000 Genomes Project 0.08027; ExAC 0.08134; 1000 Genomes Project 30x 0.08151; gnomAD exomes 0.09077; gnomAD 0.11020 and 0.11399; TOPMed 0.11489.
gnomAD v4.1: 44,284 of 454,058 alleles (9.8%); highest among the groups gnomAD compares: African/African-American, 15%; 2,514 homozygotes.

Submissions (3):

Illumina Laboratory Services, Illumina
Classification: Benign for Adult-onset proximal spinal muscular atrophy, autosomal dominant. Last evaluated: 2018-01-13. Review status: criteria provided, single submitter. Criteria: ICSL Variant Classification Criteria 13 December 2019. Collection method: clinical testing. Allele origin: germline.
Comment: This variant was observed in the ICSL laboratory as part of a predisposition screen in an ostensibly healthy population. It had not been previously curated by ICSL or reported in the Human Gene Mutation Database (HGMD: prior to June 1st, 2018), and was therefore a candidate for classification through an automated scoring system. Utilizing variant allele frequency, disease prevalence and penetrance estimates, and inheritance mode, an automated score was calculated to assess if this variant is too frequent to cause the disease. Based on the score and internal cut-off values, a variant classified as benign is not then subjected to further curation. The score for this variant resulted in a classification of benign for this disease.

Illumina Laboratory Services, Illumina
Classification: Benign for Amyotrophic lateral sclerosis type 8. Last evaluated: 2018-01-13. Review status: criteria provided, single submitter. Criteria: ICSL Variant Classification Criteria 13 December 2019. Collection method: clinical testing. Allele origin: germline.
Comment: the same text as in the submission from Illumina Laboratory Services, Illumina above.

Breakthrough Genomics
Classification: Benign. Review status: criteria provided, single submitter. Criteria: ACMG Guidelines, 2015. Collection method: not provided. Allele origin: germline. Inheritance: Autosomal dominant inheritance. Affected: yes.